The following is an entry in ClinVar:

ClinVar aggregate classification (germline): Uncertain significance (1 of 4 stars; one submission).

Conditions:
Mitochondrial complex I deficiency, nuclear type 4. Also called: Mitochondrial complex 1 deficiency, nuclear type 4. Identifiers: MedGen C4748753, MONDO:0032609, OMIM 618225.

Allele frequency attached by ClinVar (database versions not stated): gnomAD 0.00001; TOPMed 0.00001.

Submission:

Victorian Clinical Genetics Services, Murdoch Childrens Research Institute
Classification: Uncertain significance for Mitochondrial complex I deficiency, nuclear type 4. Last evaluated: 2022-03-31. Review status: criteria provided, single submitter. Criteria: ACMG Guidelines, 2015. Collection method: clinical testing. Allele origin: germline. Inheritance: Autosomal recessive inheritance. Affected: yes.
Comment: Based on the classification scheme VCGS_Germline_v1.3.4, this variant is classified as VUS-3B. Following criteria are met: 0102 - Loss of function is a known mechanism of disease in this gene and is associated with mitochondrial complex I deficiency, nuclear type 4 (MIM#618225). (I) 0106 - This gene is associated with autosomal recessive disease. (I) 0200 - Variant is predicted to result in a missense amino acid change from arginine to histidine. (I) 0251 - This variant is heterozygous. (I) 0304 - Variant is present in gnomAD <0.01 for a recessive condition (v2: 5 heterozygotes, 0 homozygotes). (SP) 0309 - Two alternative amino acid changes at the same position has been observed in gnomAD (p.(Arg152Cys) v3: 18 heterozygotes, 0 homozygotes and p.(Arg152Pro) v2: 1 heterozygote, 0 homozygotes). (I) 0502 - Missense variant with conflicting in silico predictions and uninformative conservation. (I) 0600 – This variant is located in the annotated respiratory-chain NADH dehydrogenase 51 Kd subunit domain (DECIPHER). (I) 0710 - Another missense variant comparable to the one identified in this case has inconclusive previous evidence for pathogenicity. The variant, p.(Arg152Cys), has a previous classification of VUS (ClinVar). (I) 0807 - This variant has no previous evidence of pathogenicity. (I) 0905 - No published segregation evidence has been identified for this variant. (I) 1007 - No published functional evidence has been identified for this variant. (I) 1208 - Inheritance information for this variant is not currently available in this individual. (I) Legend: (SP) - Supporting pathogenic, (I) - Information, (SB) - Supporting benign

NM_007103.4(NDUFV1):c.455G>A (p.Arg152His)

Gene: NDUFV1 (NADH:ubiquinone oxidoreductase core subunit V1; plus strand). Cytogenetic location: 11q13.2.
Variant type: single nucleotide variant.
Coding change: c.455G>A on transcript NM_007103.4 (MANE Select); coding-DNA position 455, G replaced by A.
Protein change: p.Arg152His; replaces arginine 152 with histidine.
Molecular consequence: missense variant.
Genome position (GRCh38, 1-based): chr11:67,609,580, G>A. VCF-style: chr11-67609580-G-A. GRCh37 (hg19) VCF-style: chr11-67377051-G-A.
Other names: c.428G>A, p.Arg143His (NM_001166102.2); short protein forms R143H, R152H.
Identifiers: ClinVar variation 1806238 (VCV001806238.1), dbSNP rs767364601, ClinGen allele CA6143179.